The following is an entry in ClinVar:

ClinVar aggregate classification (germline): Uncertain significance (1 of 4 stars; one submission).

gnomAD v4.1: 27 of 1,613,834 alleles (0.0017%); highest among the groups gnomAD compares: East Asian, 0.0067%; no homozygotes.

Submission:

Labcorp Genetics (formerly Invitae), Labcorp
Classification: Uncertain significance. Last evaluated: 2025-05-01. Review status: criteria provided, single submitter. Criteria: Invitae Variant Classification Sherloc (09022015). Collection method: clinical testing. Allele origin: germline.
Comment: This sequence change affects codon 216 of the ANXA11 mRNA. It is a 'silent' change, meaning that it does not change the encoded amino acid sequence of the ANXA11 protein. It affects a nucleotide within the consensus splice site. This variant is present in population databases (rs754142790, gnomAD 0.006%). This variant has not been reported in the literature in individuals affected with ANXA11-related conditions. ClinVar contains an entry for this variant (Variation ID: 3620450). Algorithms developed to predict the effect of sequence changes on RNA splicing suggest that this variant is not likely to affect RNA splicing. In summary, the available evidence is currently insufficient to determine the role of this variant in disease. Therefore, it has been classified as a Variant of Uncertain Significance.

NM_145868.2(ANXA11):c.648C>T (p.Phe216=)

Gene: ANXA11 (annexin A11; minus strand). Cytogenetic location: 10q22.3.
Variant type: single nucleotide variant.
Coding change: c.648C>T on transcript NM_145868.2 (MANE Select); coding-DNA position 648, C replaced by T.
Protein change: p.Phe216=; no amino-acid change (phenylalanine 216 retained).
Molecular consequence: synonymous variant.
Genome position (GRCh38, 1-based): chr10:80,167,227, G>A on the plus strand (C>T on the coding strand, the complement: ANXA11 is on the minus strand). VCF-style: chr10-80167227-G-A. GRCh37 (hg19) VCF-style: chr10-81926983-G-A.
Other names: c.648C>T, p.Phe216= (NM_001157.3, NM_001278407.2, NM_001278408.2 and 1 more transcripts); c.549C>T, p.Phe183= (NM_001278409.2).
Identifiers: ClinVar variation 3620450 (VCV003620450.2).